The following is an entry in ClinVar:

ClinVar aggregate classification (germline): Pathogenic/Likely pathogenic. Review status: criteria provided, multiple submitters, no conflicts (2 of 4 stars). 3 submissions from 3 submitters: Pathogenic (1); Likely pathogenic (1). 1 of the submissions does not count toward it. Last evaluated 2024-08-16.

Conditions:
Hereditary lymphedema type I (LMPHM1). Also called: LYMPHATIC MALFORMATION 1; Nonne-Milroy disease; Congenital hereditary lymphedema; Early onset lymphedema; Hereditary lymphedema 1; Primary congenital lymphedema. Identifiers: Orphanet 79452, MedGen C1704423, MONDO:0007919, OMIM 153100.

Submissions (3):

GeneDx
Classification: Likely pathogenic. Last evaluated: 2024-08-16. Review status: criteria provided, single submitter. Criteria: GeneDx Variant Classification Process June 2021. Collection method: clinical testing. Allele origin: germline. Affected: yes.
Comment: Identified in multiple unrelated patients with features of FLT4-related lymphedema previously tested at GeneDx and in published literature, and segregates with disease in affected individuals from several families (PMID: 12960217, 16965327, 19002718, 34681005, 37035731); In-frame deletion of 1 amino acid in a non-repeat region; In silico analysis supports a deleterious effect on protein structure/function; Not observed at significant frequency in large population cohorts (gnomAD); This variant is associated with the following publications: (PMID: 24167460, 12960217, 19002718, 16965327, 10835629, 11114740, 34681005, 37035731)

Seattle Children's Hospital Molecular Genetics Laboratory, Seattle Children's Hospital
Classification: Pathogenic. Last evaluated: 2021-06-11. Review status: criteria provided, single submitter. Criteria: ACMG Guidelines, 2015. Collection method: clinical testing. Allele origin: germline. Affected: yes.
Comment: This variant has been previously reported in the scientific literature in association with Milroy disease and primary lymphedemas (PMID: 12960217, PMID: 23074044, PMID: 19002718).

OMIM
Classification: Pathogenic for LYMPHATIC MALFORMATION 1. Last evaluated: 2003-09-01. Review status: no assertion criteria provided. Collection method: literature only. Allele origin: germline. Not counted in ClinVar's aggregate classification.

Literature cited by the submitters: PubMed 12960217 (cited by OMIM).

NM_182925.5(FLT4):c.3320TCT[1] (p.Phe1108del)

Gene: FLT4 (fms related receptor tyrosine kinase 4; minus strand). Cytogenetic location: 5q35.3.
Variant type: Microsatellite.
Coding change: c.3320TCT[1] on transcript NM_182925.5 (MANE Select); one copy of the 3-base unit TCT starting at c.3320; the reference has two copies in a row; one copy, 3 bases deleted.
Protein change: p.Phe1108del; deletes phenylalanine 1108.
Molecular consequence: inframe deletion.
Genome position (GRCh38, 1-based): chr5:180,614,074-180,614,076, AGA deleted on the plus strand (TCT on the coding strand, the reverse complement: FLT4 is on the minus strand); deleting any 3 consecutive bases within chr5:180,614,074-180,614,079 gives the same sequence; the position shown is the placement nearest the transcript's 3' end. VCF-style (leftmost placement, unchanged base first): chr5-180614073-GAGA-G. GRCh37 (hg19) VCF-style: chr5-180041073-GAGA-G.
Other names: c.3320TCT[1], p.Phe1108del (NM_001354989.2, NM_002020.5); short protein forms F1108del.
Identifiers: ClinVar variation 16268 (VCV000016268.4), dbSNP rs587776833, ClinGen allele CA257474.